The following is an entry in ClinVar:

ClinVar aggregate classification (germline): Uncertain significance. Review status: criteria provided, multiple submitters, no conflicts (2 of 4 stars). 2 submissions from 2 submitters: Uncertain significance (2). Last evaluated 2026-06-03.

Conditions:
PKD1-related disorder. Also called: PKD1-related condition.
Polycystic kidney disease, adult type (PKD1). Also called: Polycystic Kidney Disease 1, Autosomal Dominant; Polycystic kidney disease 1; Polycystic kidney disease 1, severe; Polycystic Kidney, Autosomal Dominant; POLYCYSTIC KIDNEY DISEASE, ADULT, TYPE I; POLYCYSTIC KIDNEY DISEASE 1 WITH OR WITHOUT POLYCYSTIC LIVER DISEASE. Identifiers: MedGen C3149841, MONDO:0008263, OMIM 173900.

gnomAD v4.1: 14 of 1,555,954 alleles (0.0009%); highest among the groups gnomAD compares: East Asian, 0.034%; no homozygotes.

Submissions (2):

PreventionGenetics, part of Exact Sciences
Classification: Uncertain significance for PKD1-related condition. Last evaluated: 2026-06-03. Review status: criteria provided, single submitter. Criteria: ACMG Guidelines, 2015. Collection method: clinical testing. Allele origin: germline.
Comment: The PKD1 c.9200C>G variant is predicted to result in the amino acid substitution p.Pro3067Arg. To our knowledge, this variant has not been reported in the literature. This variant is reported in 0.096% of alleles in individuals of East Asian descent in gnomAD. At this time, the clinical significance of this variant is uncertain due to the absence of conclusive functional and genetic evidence.

Fulgent Genetics
Classification: Uncertain significance for Polycystic kidney disease, adult type. Last evaluated: 2024-04-05. Review status: criteria provided, single submitter. Criteria: ACMG Guidelines, 2015. Collection method: clinical testing. Allele origin: germline.

NM_001009944.3(PKD1):c.9200C>G (p.Pro3067Arg)

Gene: PKD1 (polycystin 1, transient receptor potential channel interacting; minus strand). Cytogenetic location: 16p13.3.
Variant type: single nucleotide variant.
Coding change: c.9200C>G on transcript NM_001009944.3 (MANE Select); coding-DNA position 9200, C replaced by G.
Protein change: p.Pro3067Arg; replaces proline 3067 with arginine.
Molecular consequence: missense variant.
Genome position (GRCh38, 1-based): chr16:2,102,382, G>C on the plus strand (C>G on the coding strand, the complement: PKD1 is on the minus strand). VCF-style: chr16-2102382-G-C. GRCh37 (hg19) VCF-style: chr16-2152383-G-C.
Other names: c.9200C>G, p.Pro3067Arg (NM_000296.4); short protein forms P3067R.
Identifiers: ClinVar variation 3579113 (VCV003579113.2).